The following is an entry in ClinVar:

ClinVar aggregate classification (germline): Pathogenic (1 of 4 stars; one submission).

Submissions (4):

Labcorp Genetics (formerly Invitae), Labcorp
Classification: Pathogenic. Last evaluated: 2022-07-15. Review status: criteria provided, single submitter. Criteria: Invitae Variant Classification Sherloc (09022015). Collection method: clinical testing. Allele origin: germline.
Comment: For these reasons, this variant has been classified as Pathogenic. Algorithms developed to predict the effect of sequence changes on RNA splicing suggest that this variant may disrupt the consensus splice site. Disruption of this splice site has been observed in individuals with Leber congenital amaurosis and/or retinitis pigmentosa (PMID: 29844330, 33781268). This variant is not present in population databases (gnomAD no frequency). This sequence change affects an acceptor splice site in intron 2 of the RP2 gene. It is expected to disrupt RNA splicing. Variants that disrupt the donor or acceptor splice site typically lead to a loss of protein function (PMID: 16199547), and loss-of-function variants in RP2 are known to be pathogenic (PMID: 11992260, 20625056).

Dr. Peter K. Rogan Lab, Western University
No classification provided (evidence only). Condition: Nonpapillary renal cell carcinoma. Review status: no classification provided. Collection method: in vitro. Allele origin: not applicable. Functional consequence: retained intron. Not counted in ClinVar's aggregate classification.

Dr. Peter K. Rogan Lab, Western University
No classification provided (evidence only). Condition: Nonpapillary renal cell carcinoma. Review status: no classification provided. Collection method: in vitro. Allele origin: not applicable. Functional consequence: retained intron. Not counted in ClinVar's aggregate classification.

Dr. Peter K. Rogan Lab, Western University
No classification provided (evidence only). Condition: Nonpapillary renal cell carcinoma. Review status: no classification provided. Collection method: in vitro. Allele origin: not applicable. Functional consequence: retained intron. Not counted in ClinVar's aggregate classification.

Literature cited by the submitters: PubMed 29844330 (cited by Labcorp Genetics (formerly Invitae), Labcorp); PubMed 33781268 (cited by Labcorp Genetics (formerly Invitae), Labcorp); PubMed 16199547 (cited by Labcorp Genetics (formerly Invitae), Labcorp); PubMed 11992260 (cited by Labcorp Genetics (formerly Invitae), Labcorp); PubMed 20625056 (cited by Labcorp Genetics (formerly Invitae), Labcorp).

NM_006915.3(RP2):c.769-2A>G

Gene: RP2 (RP2 activator of ARL3 GTPase; plus strand). Cytogenetic location: Xp11.3.
Variant type: single nucleotide variant.
Coding change: c.769-2A>G on transcript NM_006915.3 (MANE Select); the canonical splice acceptor site of the intron before coding-DNA position 769, A replaced by G.
Molecular consequence: splice acceptor variant.
Genome position (GRCh38, 1-based): chrX:46,859,986, A>G. VCF-style: chrX-46859986-A-G. GRCh37 (hg19) VCF-style: chrX-46719421-A-G.
Identifiers: ClinVar variation 2152343 (VCV002152343.5), dbSNP rs2519918532, ClinGen allele CA413040682.
Genomic context (GRCh38, chrX:46,859,986, plus strand): 5'-GAAATCATTGTTTTAGTCTCAGAAGTTCATTTTAAAATCTCAATGAAATTTTATTTTCAC[A>G]GATGGTTGGTAAAGGCTTTTTCCTAGTTCAGACAAAGGAAGTGTCCATGAAAGCTGAGGA-3'